The following is an entry in ClinVar:

NM_030665.4(RAI1):c.3604C>T (p.Arg1202Trp)

Gene: RAI1 (retinoic acid induced 1; plus strand). Cytogenetic location: 17p11.2.
Variant type: single nucleotide variant.
Coding change: c.3604C>T on transcript NM_030665.4 (MANE Select); coding-DNA position 3604, C replaced by T.
Protein change: p.Arg1202Trp; replaces arginine 1202 with tryptophan.
Molecular consequence: missense variant.
Genome position (GRCh38, 1-based): chr17:17,796,552, C>T. VCF-style: chr17-17796552-C-T. GRCh37 (hg19) VCF-style: chr17-17699866-C-T.
Other names: c.3604C>T (NM_030665.3); short protein forms R1202W.
Identifiers: ClinVar variation 2899729 (VCV002899729.5), dbSNP rs757283974, ClinGen allele CA8418760.

ClinVar aggregate classification (germline): Likely benign. Review status: criteria provided, multiple submitters, no conflicts (2 of 4 stars). 3 submissions from 3 submitters: Likely benign (3). Last evaluated 2026-03-09.

Conditions:
RAI1-related disorder. Also called: RAI1-related condition.
Inborn genetic diseases. Identifiers: MedGen C0950123, MeSH D030342.

Allele frequency attached by ClinVar (database versions not stated): ExAC 0.00002; gnomAD 0.00002.
gnomAD v4.1: 32 of 1,610,792 alleles (0.002%); highest among the groups gnomAD compares: African/African-American, 0.0027%; no homozygotes.

Submissions (3):

PreventionGenetics, part of Exact Sciences
Classification: Likely benign for RAI1-related condition. Last evaluated: 2026-03-09. Review status: criteria provided, single submitter. Criteria: ACMG Guidelines, 2015. Collection method: clinical testing. Allele origin: germline.
Comment: This variant is classified as likely benign based on ACMG/AMP sequence variant interpretation guidelines (Richards et al. 2015 PMID: 25741868, with internal and published modifications).

Labcorp Genetics (formerly Invitae), Labcorp
Classification: Likely benign. Last evaluated: 2025-07-18. Review status: criteria provided, single submitter. Criteria: Invitae Variant Classification Sherloc (09022015). Collection method: clinical testing. Allele origin: germline.

Ambry Genetics
Classification: Likely benign for Inborn genetic diseases. Last evaluated: 2024-10-19. Review status: criteria provided, single submitter. Criteria: Ambry Variant Classification Scheme 2023. Collection method: clinical testing. Allele origin: germline.